The following is an entry in ClinVar:

ClinVar aggregate classification (germline): Uncertain significance (1 of 4 stars; one submission).

Conditions:
Inborn genetic diseases. Identifiers: MedGen C0950123, MeSH D030342.

Submission:

Ambry Genetics
Classification: Uncertain significance for Inborn genetic diseases. Last evaluated: 2022-05-13. Review status: criteria provided, single submitter. Criteria: Ambry Variant Classification Scheme 2023. Collection method: clinical testing. Allele origin: germline.
Comment: The c.3557G>A (p.G1186E) alteration is located in exon 4 (coding exon 4) of the PRR12 gene. This alteration results from a G to A substitution at nucleotide position 3557, causing the glycine (G) at amino acid position 1186 to be replaced by a glutamic acid (E). This variant was not reported in population-based cohorts in the Genome Aggregation Database (gnomAD). This amino acid position is not well conserved in available vertebrate species. This alteration is predicted to be tolerated by in silico analysis. Based on insufficient or conflicting evidence, the clinical significance of this alteration remains unclear.

NM_020719.3(PRR12):c.3557G>A (p.Gly1186Glu)

Gene: PRR12 (proline rich 12; plus strand). Cytogenetic location: 19q13.33.
Variant type: single nucleotide variant.
Coding change: c.3557G>A on transcript NM_020719.3 (MANE Select); coding-DNA position 3557, G replaced by A.
Protein change: p.Gly1186Glu; replaces glycine 1186 with glutamic acid.
Molecular consequence: missense variant.
Genome position (GRCh38, 1-based): chr19:49,597,892, G>A. VCF-style: chr19-49597892-G-A. GRCh37 (hg19) VCF-style: chr19-50101149-G-A.
Other names: short protein forms G1186E.
Identifiers: ClinVar variation 2283825 (VCV002283825.2), dbSNP rs2080785536, ClinGen allele CA406884990.